The following is an entry in ClinVar:

ClinVar aggregate classification (germline): Pathogenic (1 of 4 stars; one submission).

Conditions:
Cohen syndrome (COH1). Also called: Cutis verticis gyrata, retinitis pigmentosa, and sensorineural deafness; PEPPER SYNDROME. Identifiers: Orphanet 193, MedGen C0265223, MONDO:0008999, OMIM 216550.

Submission:

Labcorp Genetics (formerly Invitae), Labcorp
Classification: Pathogenic for Cohen syndrome. Last evaluated: 2022-09-26. Review status: criteria provided, single submitter. Criteria: Invitae Variant Classification Sherloc (09022015). Collection method: clinical testing. Allele origin: germline.
Comment: For these reasons, this variant has been classified as Pathogenic. This variant has not been reported in the literature in individuals affected with VPS13B-related conditions. This variant is a gross deletion of the genomic region encompassing exon(s) 9-30 of the VPS13B gene. This deletion is out-of-frame, and is expected to create a premature termination codon and result in an absent or disrupted protein product. Loss-of-function variants in VPS13B are known to be pathogenic (PMID: 15141358, 16648375, 20461111).

Literature cited by the submitters: PubMed 15141358; PubMed 16648375; PubMed 20461111.

NC_000008.10:g.(?_100146850)_(100533248_?)del

Gene: VPS13B (vacuolar protein sorting 13 homolog B; plus strand). Cytogenetic location: 8q22.2.
Variant type: Deletion.
Identifiers: ClinVar variation 2426399 (VCV002426399.4).